The following is an entry in ClinVar:

ClinVar aggregate classification (germline): Likely pathogenic (0 of 4 stars; one submission).

Conditions:
Cohen syndrome (COH1). Also called: PEPPER SYNDROME; Cutis verticis gyrata, retinitis pigmentosa, and sensorineural deafness. Identifiers: Orphanet 193, MedGen C0265223, MONDO:0008999, OMIM 216550.

Submission:

Juha Muilu Group; Institute for Molecular Medicine Finland (FIMM)
Classification: Likely pathogenic for Cohen syndrome. Review status: no assertion criteria provided. Collection method: not provided. Allele origin: unknown.
Comment: FinDis database variant: This variant was not found or characterized by our laboratory, data were collected from public sources: see reference
ClinVar note: Converted during submission from probable-pathogenic to Likely pathogenic.

NM_152564.5(VPS13B):c.6612del (p.Gln2204fs)

Gene: VPS13B (vacuolar protein sorting 13 homolog B; plus strand). Cytogenetic location: 8q22.2.
Variant type: Deletion.
Coding change: c.6612del on transcript NM_152564.5 (MANE Select); coding-DNA position 6612, one base deleted (A; older notation c.6612delA).
Protein change: p.Gln2204fs; shifts the reading frame from glutamine 2204.
Molecular consequence: frameshift variant.
Genome position (GRCh38, 1-based): chr8:99,717,328, A deleted; the last of 2 consecutive A bases (chr8:99,717,327-99,717,328); deleting either gives the same sequence. VCF-style (leftmost placement, unchanged base first): chr8-99717326-CA-C. GRCh37 (hg19) VCF-style: chr8-100729554-CA-C.
Other names: c.6687delA (NM_017890.4); c.6687del, p.Gln2229fs (NM_017890.5); short protein forms Q2229fs, Q2204fs.
Identifiers: ClinVar variation 56682 (VCV000056682.2), dbSNP rs386834102, ClinGen allele CA264112.